The following is an entry in ClinVar:

NM_014915.3(ANKRD26):c.3676C>T (p.Gln1226Ter)

Gene: ANKRD26 (ankyrin repeat domain 26; minus strand). Cytogenetic location: 10p12.1.
Variant type: single nucleotide variant.
Coding change: c.3676C>T on transcript NM_014915.3 (MANE Select); coding-DNA position 3676, C replaced by T.
Protein change: p.Gln1226Ter; replaces glutamine 1226 with a stop codon.
Molecular consequence: nonsense.
Genome position (GRCh38, 1-based): chr10:27,033,356, G>A on the plus strand (C>T on the coding strand, the complement: ANKRD26 is on the minus strand). VCF-style: chr10-27033356-G-A. GRCh37 (hg19) VCF-style: chr10-27322285-G-A.
Other names: c.3673C>T, p.Gln1225Ter (NM_001256053.2); short protein forms Q1225*, Q1226*.
Identifiers: ClinVar variation 3368452 (VCV003368452.2).

ClinVar aggregate classification (germline): Uncertain significance. Review status: criteria provided, multiple submitters, no conflicts (2 of 4 stars). 2 submissions from 2 submitters: Uncertain significance (2). Last evaluated 2026-02-20.

Conditions:
Thrombocytopenia 2 (THC2). Also called: ANKRD26-Related Thrombocytopenia. Identifiers: Orphanet 268322, MedGen C1861185, MONDO:0008555, OMIM 188000.

gnomAD v4.1: 2 of 1,609,512 alleles (0.00012%); highest among the groups gnomAD compares: African/African-American, 0.0027%; no homozygotes.

Submissions (2):

St. Jude Molecular Pathology, St. Jude Children's Research Hospital
Classification: Uncertain significance for Thrombocytopenia 2. Last evaluated: 2026-02-20. Review status: criteria provided, single submitter. Criteria: St. Jude Assertion Criteria 2020. Collection method: clinical testing. Allele origin: germline.
Comment: The ANKRD26 c.3676C>T p.(Gln1226Ter) change is a nonsense variant that creates a premature stop codon, however the functional significance of this change is currently unknown. This variant is absent in g nomAD v2.1.1. To our knowledge, this variant has not been reported in individuals with ANKRD26-related thrombocytopenia. In summary, the evidence currently available is insufficient to determine the clinical significa nce of this variant. It has therefore been classified as of uncertain significance.

GeneDx
Classification: Uncertain significance. Last evaluated: 2024-01-26. Review status: criteria provided, single submitter. Criteria: GeneDx Variant Classification Process June 2021. Collection method: clinical testing. Allele origin: germline. Affected: yes.
Comment: Not observed at significant frequency in large population cohorts (gnomAD); Has not been previously published as pathogenic or benign to our knowledge; Nonsense variant predicted to result in protein truncation or nonsense mediated decay in a gene for which loss-of-function is not a known mechanism of disease